The following is an entry in ClinVar:

NM_007294.4(BRCA1):c.4606G>A (p.Glu1536Lys)

Gene: BRCA1 (BRCA1 DNA repair associated; minus strand). Cytogenetic location: 17q21.31.
Variant type: single nucleotide variant.
Coding change: c.4606G>A on transcript NM_007294.4 (MANE Select); coding-DNA position 4606, G replaced by A.
Protein change: p.Glu1536Lys; replaces glutamic acid 1536 with lysine.
Molecular consequence: missense variant. On other transcripts: non-coding transcript variant (1).
Genome position (GRCh38, 1-based): chr17:43,074,400, C>T on the plus strand (G>A on the coding strand, the complement: BRCA1 is on the minus strand). VCF-style: chr17-43074400-C-T. GRCh37 (hg19) VCF-style: chr17-41226417-C-T.
Other names: c.4339G>A, p.Glu1447Lys (NM_001407928.1, NM_001407929.1, NM_001407930.1 and 4 more transcripts); c.4336G>A, p.Glu1446Lys (NM_001407934.1, NM_001407935.1, NM_001407936.1); c.4483G>A, p.Glu1495Lys (NM_001407937.1, NM_001407938.1, NM_001407664.1 and 6 more transcripts); c.4480G>A, p.Glu1494Lys (NM_001407939.1, NM_001407940.1, NM_001407670.1 and 11 more transcripts); c.4477G>A, p.Glu1493Lys (NM_001407941.1, NM_001407681.1, NM_001407682.1 and 6 more transcripts); c.4465G>A, p.Glu1489Lys (NM_001407942.1, NM_007297.4, NM_001407692.1 and 13 more transcripts); c.4462G>A, p.Glu1488Lys (NM_001407943.1, NM_001407944.1, NM_001407945.1 and 21 more transcripts); c.4273G>A, p.Glu1425Lys (NM_001407946.1, NM_001407947.1, NM_001407948.1 and 1 more transcripts); and 68 more; short protein forms E1424K, E1465K, E1509K, E1517K, E1532K, E1533K, E1557K, E265K.
Identifiers: ClinVar variation 1741846 (VCV001741846.5), dbSNP rs876660460, ClinGen allele CA10592302.

ClinVar aggregate classification (germline): Conflicting classifications of pathogenicity. Review status: criteria provided, conflicting classifications (1 of 4 stars). 2 submissions from 2 submitters: Uncertain significance (1); Likely benign (1). Last evaluated 2025-02-04.

Conditions:
Hereditary cancer-predisposing syndrome. Also called: Hereditary Cancer Syndrome; Hereditary neoplastic syndrome; Neoplastic Syndromes, Hereditary; Tumor predisposition. Identifiers: Orphanet 140162, MedGen C0027672, MeSH D009386, MONDO:0015356.
Hereditary breast ovarian cancer syndrome. Also called: Hereditary breast and ovarian cancer syndrome (HBOC); Hereditary breast and ovarian cancer syndrome; Breast and ovarian cancer; Hereditary breast and/or ovarian cancer syndrome; Hereditary breast and ovarian cancer; BRCA1- and BRCA2-Associated Hereditary Breast and Ovarian Cancer. Identifiers: Orphanet 145, MedGen C0677776, MeSH D061325, MONDO:0003582. Disease mechanism: loss of function.

gnomAD v4.1: 1 of 1,614,124 alleles (0.000062%); highest among the groups gnomAD compares: East Asian, 0.0022%; no homozygotes.

Submissions (2):

Labcorp Genetics (formerly Invitae), Labcorp
Classification: Uncertain significance for Hereditary breast ovarian cancer syndrome. Last evaluated: 2025-02-04. Review status: criteria provided, single submitter. Criteria: Invitae Variant Classification Sherloc (09022015). Collection method: clinical testing. Allele origin: germline.
Comment: This sequence change replaces glutamic acid, which is acidic and polar, with lysine, which is basic and polar, at codon 1536 of the BRCA1 protein (p.Glu1536Lys). This variant is not present in population databases (gnomAD no frequency). This variant has not been reported in the literature in individuals affected with BRCA1-related conditions. ClinVar contains an entry for this variant (Variation ID: 1741846). Invitae Evidence Modeling of protein sequence and biophysical properties (such as structural, functional, and spatial information, amino acid conservation, physicochemical variation, residue mobility, and thermodynamic stability) indicates that this missense variant is not expected to disrupt BRCA1 protein function with a negative predictive value of 95%. In summary, the available evidence is currently insufficient to determine the role of this variant in disease. Therefore, it has been classified as a Variant of Uncertain Significance.

Ambry Genetics
Classification: Likely benign for Hereditary cancer-predisposing syndrome. Last evaluated: 2020-10-16. Review status: criteria provided, single submitter. Criteria: Ambry Variant Classification Scheme 2023. Collection method: clinical testing. Allele origin: germline.